The following is an entry in ClinVar:

ClinVar aggregate classification (germline): Pathogenic (1 of 4 stars; one submission).

Conditions:
Pigmentary pallidal degeneration (NBIA1). Also called: PKAN NEUROAXONAL DYSTROPHY, JUVENILE-ONSET; Pantothenate Kinase-Associated Neurodegeneration; Neuroaxonal dystrophy, late infantile; Hallervorden-Spatz disease; Neurodegeneration with brain iron accumulation 1; HARP SYNDROME. Identifiers: Orphanet 157850, MedGen C0018523, MONDO:0009319, OMIM 234200.

Submission:

Labcorp Genetics (formerly Invitae), Labcorp
Classification: Pathogenic for Pigmentary pallidal degeneration. Last evaluated: 2023-04-06. Review status: criteria provided, single submitter. Criteria: Invitae Variant Classification Sherloc (09022015). Collection method: clinical testing. Allele origin: germline.
Comment: This variant has not been reported in the literature in individuals affected with PANK2-related conditions. This sequence change creates a premature translational stop signal (p.Arg198Alafs*7) in the PANK2 gene. It is expected to result in an absent or disrupted protein product. Loss-of-function variants in PANK2 are known to be pathogenic (PMID: 11479594, 12510040). This variant is not present in population databases (gnomAD no frequency). For these reasons, this variant has been classified as Pathogenic.

Literature cited by the submitters: PubMed 11479594; PubMed 12510040.

NM_001386393.1(PANK2):c.262del (p.Arg88fs)

Genes: PANK2 (pantothenate kinase 2; plus strand), LOC130065345 (ATAC-STARR-seq lymphoblastoid silent region 12635; plus strand). Cytogenetic location: 20p13.
Variant type: Deletion.
Coding change: c.262del on transcript NM_001386393.1 (MANE Select); coding-DNA position 262, one base deleted (C; older notation c.262delC).
Protein change: p.Arg88fs; shifts the reading frame from arginine 88.
Molecular consequence: frameshift variant. On other transcripts: 5 prime UTR variant (1), non-coding transcript variant (1), intron variant (1).
Genome position (GRCh38, 1-based): chr20:3,889,692, C deleted; the last of 3 consecutive C bases (chr20:3,889,690-3,889,692); deleting any one gives the same sequence. VCF-style (leftmost placement, unchanged base first): chr20-3889689-TC-T. GRCh37 (hg19) VCF-style: chr20-3870336-TC-T.
Other names: c.-450del (NM_001324191.2); c.592del, p.Arg198fs (NM_001324192.1, NM_153638.4); c.-246+788del (NM_024960.6); short protein forms R198fs, R88fs.
Identifiers: ClinVar variation 2852428 (VCV002852428.3), dbSNP rs2515425812, ClinGen allele CA2739277044.